The following is an entry in ClinVar:

NM_003597.5(KLF11):c.213C>T (p.Pro71=)

Gene: KLF11 (KLF transcription factor 11; plus strand). Cytogenetic location: 2p25.1.
Variant type: single nucleotide variant.
Coding change: c.213C>T on transcript NM_003597.5 (MANE Select); coding-DNA position 213, C replaced by T.
Protein change: p.Pro71=; no amino-acid change (proline 71 retained).
Molecular consequence: synonymous variant.
Genome position (GRCh38, 1-based): chr2:10,046,320, C>T. VCF-style: chr2-10046320-C-T. GRCh37 (hg19) VCF-style: chr2-10186447-C-T.
Other names: c.162C>T, p.Pro54= (NM_001177716.2, NM_001177718.2); c.213C>T (NM_003597.4).
Identifiers: ClinVar variation 4953337 (VCV004953337.2).

ClinVar aggregate classification (germline): Likely benign. Review status: criteria provided, multiple submitters, no conflicts (2 of 4 stars). 2 submissions from 2 submitters: Likely benign (2). Last evaluated 2025-06-04.

Conditions:
KLF11-related disorder. Also called: KLF11-related condition.

gnomAD v4.1: 51 of 1,614,060 alleles (0.0032%); highest among the groups gnomAD compares: Middle Eastern, 0.066%; no homozygotes.

Submissions (2):

PreventionGenetics, part of Exact Sciences
Classification: Likely benign for KLF11-related condition. Last evaluated: 2025-06-04. Review status: criteria provided, single submitter. Criteria: ACMG Guidelines, 2015. Collection method: clinical testing. Allele origin: germline.
Comment: This variant is classified as likely benign based on ACMG/AMP sequence variant interpretation guidelines (Richards et al. 2015 PMID: 25741868, with internal and published modifications).

Blueprint Genetics
Classification: Likely benign. Last evaluated: 2024-04-26. Review status: criteria provided, single submitter. Criteria: ACMG Guidelines, 2015. Collection method: clinical testing. Allele origin: germline.